The following is an entry in ClinVar:

NC_000013.10:g.(?_48877837)_(48881552_?)del

Gene: RB1 (RB transcriptional corepressor 1; plus strand). Cytogenetic location: 13q14.2.
Variant type: Deletion.
Identifiers: ClinVar variation 2422885 (VCV002422885.3).

ClinVar aggregate classification (germline): Pathogenic (1 of 4 stars; one submission).

Conditions:
Retinoblastoma (RB1). Also called: RETINOBLASTOMA, SOMATIC. Identifiers: Orphanet 790, MedGen C0035335, MeSH D012175, MONDO:0008380, OMIM 180200, HP:0009919. Disease mechanism: loss of function. Inheritance: Both sporadic and heritable forms are tested..

Submission:

Labcorp Genetics (formerly Invitae), Labcorp
Classification: Pathogenic for Retinoblastoma. Last evaluated: 2021-09-08. Review status: criteria provided, single submitter. Criteria: Invitae Variant Classification Sherloc (09022015). Collection method: clinical testing. Allele origin: germline.
Comment: This variant is a gross deletion of the genomic region encompassing exon(s) 1-2 of the RB1 gene, which includes the initiator codon. This deletion extends beyond the assayed region for this gene and therefore may encompass additional genes. It is expected to result in an absent or disrupted protein product. Loss-of-function variants in RB1 are known to be pathogenic (PMID: 17096365). A similar copy number variant has been observed in individual(s) with retinoblastoma (PMID: 24810223). For these reasons, this variant has been classified as Pathogenic.

Literature cited by the submitters: PubMed 17096365; PubMed 24810223.